The following is an entry in ClinVar:

NM_014989.7(RIMS1):c.3434C>T (p.Pro1145Leu)

Gene: RIMS1 (regulating synaptic membrane exocytosis 1; plus strand). Cytogenetic location: 6q13.
Variant type: single nucleotide variant.
Coding change: c.3434C>T on transcript NM_014989.7 (MANE Select); coding-DNA position 3434, C replaced by T.
Protein change: p.Pro1145Leu; replaces proline 1145 with leucine.
Molecular consequence: missense variant. On other transcripts: intron variant (58).
Genome position (GRCh38, 1-based): chr6:72,274,384, C>T. VCF-style: chr6-72274384-C-T. GRCh37 (hg19) VCF-style: chr6-72984087-C-T.
Other names: c.1661C>T, p.Pro554Leu (NM_001350415.2, NM_001350445.2); c.1664C>T, p.Pro555Leu (NM_001350433.2); c.1598C>T, p.Pro533Leu (NM_001350435.2); c.1592C>T, p.Pro531Leu (NM_001350437.2); c.1559+8335C>T (NM_001350428.2, NM_001350459.2, NM_001350424.2 and 1 more transcripts); c.1556+8335C>T (NM_001350430.2, NM_001350421.2, NM_001350450.2); c.1706+8335C>T (NM_001350458.2); c.1628+8335C>T (NM_001350446.2, NM_001350442.2, NM_001350416.2 and 7 more transcripts); and 20 more; short protein forms P1145L, P531L, P533L, P554L, P555L.
Identifiers: ClinVar variation 4806372 (VCV004806372.1).

ClinVar aggregate classification (germline): Uncertain significance (1 of 4 stars; one submission).

gnomAD v4.1: 3 of 1,613,148 alleles (0.00019%); highest among the groups gnomAD compares: Non-Finnish European, 0.00025%; no homozygotes.

Submission:

Labcorp Genetics (formerly Invitae), Labcorp
Classification: Uncertain significance. Last evaluated: 2025-11-03. Review status: criteria provided, single submitter. Criteria: Invitae Variant Classification Sherloc (09022015). Collection method: clinical testing. Allele origin: germline.
Comment: This sequence change replaces proline, which is neutral and non-polar, with leucine, which is neutral and non-polar, at codon 1145 of the RIMS1 protein (p.Pro1145Leu). This variant is not present in population databases (gnomAD no frequency). This variant has not been reported in the literature in individuals affected with RIMS1-related conditions. An algorithm developed to predict the effect of missense changes on protein structure and function (PolyPhen-2) suggests that this variant is likely to be disruptive. In summary, the available evidence is currently insufficient to determine the role of this variant in disease. Therefore, it has been classified as a Variant of Uncertain Significance.